The following is an entry in ClinVar:

NM_000051.4(ATM):c.8448del (p.Lys2816fs)

Genes: ATM (ATM serine/threonine kinase; plus strand), C11orf65 (chromosome 11 open reading frame 65; minus strand). Cytogenetic location: 11q22.3.
Variant type: Deletion.
Coding change: c.8448del on transcript NM_000051.4 (MANE Select); coding-DNA position 8448, one base deleted (A; older notation c.8448delA).
Protein change: p.Lys2816fs; shifts the reading frame from lysine 2816.
Molecular consequence: frameshift variant. On other transcripts: intron variant (2).
Genome position (GRCh38, 1-based): chr11:108,345,772, A deleted; the last of 3 consecutive A bases (chr11:108,345,770-108,345,772); deleting any one gives the same sequence. VCF-style (leftmost placement, unchanged base first): chr11-108345769-GA-G. GRCh37 (hg19) VCF-style: chr11-108216496-GA-G.
Other names: c.8448del, p.Lys2816fs (NM_001351834.2); c.641-36699del (NM_001330368.2); c.695-10478del (NM_001351110.2); short protein forms K2816fs.
Identifiers: ClinVar variation 4866617 (VCV004866617.1).

ClinVar aggregate classification (germline): Pathogenic (1 of 4 stars; one submission).

Conditions:
Hereditary cancer-predisposing syndrome. Also called: Tumor predisposition; Hereditary neoplastic syndrome; Hereditary Cancer Syndrome; Neoplastic Syndromes, Hereditary. Identifiers: Orphanet 140162, MedGen C0027672, MeSH D009386, MONDO:0015356.

Submission:

Ambry Genetics
Classification: Pathogenic for Hereditary cancer-predisposing syndrome. Last evaluated: 2026-05-11. Review status: criteria provided, single submitter. Criteria: Ambry Variant Classification Scheme 2023. Collection method: clinical testing. Allele origin: germline.
Comment: The c.8448delA pathogenic mutation, located in coding exon 57 of the ATM gene, results from a deletion of one nucleotide at nucleotide position 8448, causing a translational frameshift with a predicted alternate stop codon (p.K2816Nfs*41). This variant is considered to be rare based on population cohorts in the Genome Aggregation Database (gnomAD). This alteration is expected to result in loss of function by premature protein truncation or nonsense-mediated mRNA decay. As such, this alteration is interpreted as a disease-causing mutation.